The following is an entry in ClinVar:

ClinVar aggregate classification (germline): Pathogenic. Review status: criteria provided, single submitter (1 of 4 stars). 2 submissions from 2 submitters: Pathogenic (1). 1 of the submissions does not count toward it. Last evaluated 2021-05-03.

Conditions:
Sjögren-Larsson syndrome (SLS). Also called: ICHTHYOSIS, SPASTIC NEUROLOGIC DISORDER, AND OLIGOPHRENIA; FALDH DEFICIENCY; FATTY ALCOHOL:NAD+ OXIDOREDUCTASE DEFICIENCY; FATTY ALDEHYDE DEHYDROGENASE DEFICIENCY. Identifiers: Orphanet 816, MedGen C0037231, MONDO:0010031, OMIM 270200.

Submissions (2):

Labcorp Genetics (formerly Invitae), Labcorp
Classification: Pathogenic. Last evaluated: 2021-05-03. Review status: criteria provided, single submitter. Criteria: Invitae Variant Classification Sherloc (09022015). Collection method: clinical testing. Allele origin: germline.
Comment: For these reasons, this variant has been classified as Pathogenic. This variant has not been reported in the literature in individuals with ALDH3A2-related conditions. ClinVar contains an entry for this variant (Variation ID: 370813). This variant is not present in population databases (ExAC no frequency). This sequence change creates a premature translational stop signal (p.Glu275Valfs*3) in the ALDH3A2 gene. It is expected to result in an absent or disrupted protein product. Loss-of-function variants in ALDH3A2 are known to be pathogenic (PMID: 10577908, 10854114).

Counsyl
Classification: Likely pathogenic for Sjögren-Larsson syndrome. Last evaluated: 2016-04-19. Review status: no assertion criteria provided. Collection method: clinical testing. Allele origin: unknown. Not counted in ClinVar's aggregate classification.

Literature cited by the submitters: PubMed 10577908 (cited by Labcorp Genetics (formerly Invitae), Labcorp); PubMed 10854114 (cited by Labcorp Genetics (formerly Invitae), Labcorp).

NM_000382.3(ALDH3A2):c.824_825del (p.Glu275fs)

Gene: ALDH3A2 (aldehyde dehydrogenase 3 family member A2; plus strand). Cytogenetic location: 17p11.2.
Variant type: Microsatellite.
Coding change: c.824_825del on transcript NM_000382.3 (MANE Select); coding-DNA positions 824 to 825, 2 bases deleted (AG; older notation c.824_825delAG).
Protein change: p.Glu275fs; shifts the reading frame from glutamic acid 275.
Molecular consequence: frameshift variant.
Genome position (GRCh38, 1-based): chr17:19,661,152-19,661,153, AG deleted; deleting any 2 consecutive bases within chr17:19,661,150-19,661,153 gives the same sequence; the c. name uses the placement nearest the transcript's 3' end. VCF-style (leftmost placement, unchanged base first): chr17-19661149-AAG-A. GRCh37 (hg19) VCF-style: chr17-19564462-AAG-A.
Other names: c.824_825del, p.Glu275fs (NM_001031806.2, NM_001369136.1, NM_001369137.2 and 3 more transcripts); c.245_246del, p.Glu82fs (NM_001369148.2); short protein forms E275fs, E82fs.
Identifiers: ClinVar variation 370813 (VCV000370813.9), dbSNP rs1057516788, ClinGen allele CA16041814.
Genomic context (GRCh38, chr17:19,661,149, plus strand): 5'-TCTTTGTGACATTTATATACTCCTGTTGTTTTAAATAGGAATTTTATGGAGAAAATATAA[AAG>A]AGTCTCCTGATTATGAAAGGATCATCAATCTTCGTCATTTTAAGAGGATACTAAGTTTGC-3'